The following is an entry in ClinVar:

ClinVar aggregate classification (germline): Benign/Likely benign. Review status: criteria provided, multiple submitters, no conflicts (2 of 4 stars). 3 submissions from 3 submitters: Benign (1); Likely benign (2). Last evaluated 2025-06-22.

Conditions:
Pheochromocytoma/paraganglioma syndrome 5. Also called: Paragangliomas 5; SDHA-Related Hereditary Paraganglioma-Pheochromocytoma Syndrome. Identifiers: Orphanet 29072, MedGen C3279992, MONDO:0013602, OMIM 614165.
Mitochondrial complex II deficiency, nuclear type 1. Also called: SUCCINATE CoQ REDUCTASE DEFICIENCY. Identifiers: Orphanet 3208, MedGen C5700310, MONDO:0100294, OMIM 252011.
Hereditary cancer-predisposing syndrome. Also called: Tumor predisposition; Hereditary neoplastic syndrome; Neoplastic Syndromes, Hereditary; Hereditary Cancer Syndrome. Identifiers: Orphanet 140162, MedGen C0027672, MeSH D009386, MONDO:0015356.

Allele frequency attached by ClinVar (database versions not stated): gnomAD exomes below 0.00001.
gnomAD v4.1: 1 of 1,613,090 alleles (0.000062%); highest among the groups gnomAD compares: Non-Finnish European, 0.000085%; no homozygotes.

Submissions (3):

Labcorp Genetics (formerly Invitae), Labcorp
Classification: Likely benign for Pheochromocytoma/paraganglioma syndrome 5; Mitochondrial complex II deficiency, nuclear type 1. Last evaluated: 2025-06-22. Review status: criteria provided, single submitter. Criteria: Invitae Variant Classification Sherloc (09022015). Collection method: clinical testing. Allele origin: germline.

Myriad Genetics, Inc.
Classification: Benign for Pheochromocytoma/paraganglioma syndrome 5. Last evaluated: 2025-02-28. Review status: criteria provided, single submitter. Criteria: Myriad Autosomal Dominant, Autosomal Recessive and X-Linked Classification Criteria (2023). Collection method: clinical testing. Allele origin: unknown.
Comment: This variant is considered benign. This variant is a silent/synonymous amino acid change and it is not expected to impact splicing.

Ambry Genetics
Classification: Likely benign for Hereditary cancer-predisposing syndrome. Last evaluated: 2018-11-28. Review status: criteria provided, single submitter. Criteria: Ambry Variant Classification Scheme 2023. Collection method: clinical testing. Allele origin: germline.

NM_004168.4(SDHA):c.279G>A (p.Leu93=)

Gene: SDHA (succinate dehydrogenase complex flavoprotein subunit A; plus strand). Cytogenetic location: 5p15.33.
Variant type: single nucleotide variant.
Coding change: c.279G>A on transcript NM_004168.4 (MANE Select); coding-DNA position 279, G replaced by A.
Protein change: p.Leu93=; no amino-acid change (leucine 93 retained).
Molecular consequence: synonymous variant.
Genome position (GRCh38, 1-based): chr5:224,488, G>A. VCF-style: chr5-224488-G-A. GRCh37 (hg19) VCF-style: chr5-224603-G-A.
Other names: c.279G>A, p.Leu93= (NM_001294332.2, NM_001330758.2).
Identifiers: ClinVar variation 821696 (VCV000821696.8), dbSNP rs1579381802, ClinGen allele CA442690915.